The following is an entry in ClinVar:

NM_144691.4(CAPN12):c.717C>T (p.Gly239=)

Gene: CAPN12 (calpain 12; minus strand). Cytogenetic location: 19q13.2.
Variant type: single nucleotide variant.
Coding change: c.717C>T on transcript NM_144691.4 (MANE Select); coding-DNA position 717, C replaced by T.
Protein change: p.Gly239=; no amino-acid change (glycine 239 retained).
Molecular consequence: synonymous variant.
Genome position (GRCh38, 1-based): chr19:38,740,063, G>A on the plus strand (C>T on the coding strand, the complement: CAPN12 is on the minus strand). VCF-style: chr19-38740063-G-A. GRCh37 (hg19) VCF-style: chr19-39230703-G-A.
Identifiers: ClinVar variation 4820960 (VCV004820960.4).

ClinVar aggregate classification (germline): Likely benign (1 of 4 stars; one submission).

gnomAD v4.1: 1,081 of 1,591,278 alleles (0.068%); highest among the groups gnomAD compares: Non-Finnish European, 0.086%; 2 homozygotes.

Submission:

CeGaT Center for Human Genetics Tuebingen
Classification: Likely benign. Last evaluated: 2026-03-01. Review status: criteria provided, single submitter. Criteria: CeGaT Center For Human Genetics Tuebingen Variant Classification Criteria Version 2. Collection method: clinical testing. Allele origin: germline. Affected: yes. Observed: 1 variant allele.
Comment: CAPN12: BP4, BP7